The following is an entry in ClinVar:

ClinVar aggregate classification (germline): Uncertain significance. Review status: criteria provided, multiple submitters, no conflicts (2 of 4 stars). 3 submissions from 3 submitters: Uncertain significance (3). Last evaluated 2022-08-31.

Conditions:
Inborn genetic diseases. Identifiers: MedGen C0950123, MeSH D030342.
Focal segmental glomerulosclerosis 1 (FSGS1). Identifiers: Orphanet 656, MedGen C4551527, MONDO:0011303, OMIM 603278.

Allele frequency attached by ClinVar (database versions not stated): gnomAD exomes 0.00002 and 0.00003; TOPMed 0.00002; ExAC 0.00003; gnomAD 0.00004 and 0.00005.
gnomAD v4.1: 41 of 1,613,742 alleles (0.0025%); highest among the groups gnomAD compares: Admixed American, 0.005%; no homozygotes.

Submissions (3):

Ambry Genetics
Classification: Uncertain significance for Inborn genetic diseases. Last evaluated: 2022-08-31. Review status: criteria provided, single submitter. Criteria: Ambry Variant Classification Scheme 2023. Collection method: clinical testing. Allele origin: germline.

Fulgent Genetics
Classification: Uncertain significance for Focal segmental glomerulosclerosis 1. Last evaluated: 2022-03-10. Review status: criteria provided, single submitter. Criteria: ACMG Guidelines, 2015. Collection method: clinical testing. Allele origin: unknown.

Labcorp Genetics (formerly Invitae), Labcorp
Classification: Uncertain significance. Last evaluated: 2020-02-07. Review status: criteria provided, single submitter. Criteria: Invitae Variant Classification Sherloc (09022015). Collection method: clinical testing. Allele origin: germline.
Comment: This sequence change replaces arginine with histidine at codon 311 of the ACTN4 protein (p.Arg311His). The arginine residue is highly conserved and there is a small physicochemical difference between arginine and histidine. In summary, the available evidence is currently insufficient to determine the role of this variant in disease. Therefore, it has been classified as a Variant of Uncertain Significance. Algorithms developed to predict the effect of missense changes on protein structure and function are either unavailable or do not agree on the potential impact of this missense change (SIFT: "Not Available"; PolyPhen-2: "Probably Damaging"; Align-GVGD: "Not Available"). This variant has not been reported in the literature in individuals with ACTN4-related conditions. This variant is present in population databases (rs559700598, ExAC 0.02%).

NM_004924.6(ACTN4):c.932G>A (p.Arg311His)

Gene: ACTN4 (actinin alpha 4; plus strand). Cytogenetic location: 19q13.2.
Variant type: single nucleotide variant.
Coding change: c.932G>A on transcript NM_004924.6 (MANE Select); coding-DNA position 932, G replaced by A.
Protein change: p.Arg311His; replaces arginine 311 with histidine.
Molecular consequence: missense variant.
Genome position (GRCh38, 1-based): chr19:38,717,105, G>A. VCF-style: chr19-38717105-G-A. GRCh37 (hg19) VCF-style: chr19-39207745-G-A.
Other names: c.932G>A, p.Arg311His (NM_001322033.2); c.932G>A (NM_004924.4); short protein forms R311H.
Identifiers: ClinVar variation 1050943 (VCV001050943.11), dbSNP rs559700598, ClinGen allele CA9417496.